The following is an entry in ClinVar:

ClinVar aggregate classification (germline): Uncertain significance (1 of 4 stars; one submission).

Submission:

Labcorp Genetics (formerly Invitae), Labcorp
Classification: Uncertain significance. Last evaluated: 2024-10-21. Review status: criteria provided, single submitter. Criteria: Invitae Variant Classification Sherloc (09022015). Collection method: clinical testing. Allele origin: germline.
Comment: This sequence change replaces glutamic acid, which is acidic and polar, with glutamine, which is neutral and polar, at codon 104 of the FZD2 protein (p.Glu104Gln). This variant is not present in population databases (gnomAD no frequency). This variant has not been reported in the literature in individuals affected with FZD2-related conditions. ClinVar contains an entry for this variant (Variation ID: 2129342). Invitae Evidence Modeling of protein sequence and biophysical properties (such as structural, functional, and spatial information, amino acid conservation, physicochemical variation, residue mobility, and thermodynamic stability) indicates that this missense variant is not expected to disrupt FZD2 protein function with a negative predictive value of 80%. In summary, the available evidence is currently insufficient to determine the role of this variant in disease. Therefore, it has been classified as a Variant of Uncertain Significance.

NM_001466.4(FZD2):c.310G>C (p.Glu104Gln)

Gene: FZD2 (frizzled class receptor 2; plus strand). Cytogenetic location: 17q21.31.
Variant type: single nucleotide variant.
Coding change: c.310G>C on transcript NM_001466.4 (MANE Select); coding-DNA position 310, G replaced by C.
Protein change: p.Glu104Gln; replaces glutamic acid 104 with glutamine.
Molecular consequence: missense variant.
Genome position (GRCh38, 1-based): chr17:44,557,998, G>C. VCF-style: chr17-44557998-G-C. GRCh37 (hg19) VCF-style: chr17-42635366-G-C.
Other names: short protein forms E104Q.
Identifiers: ClinVar variation 2129342 (VCV002129342.4), dbSNP rs1375718768, ClinGen allele CA399791508.